The following is an entry in ClinVar:

ClinVar aggregate classification (germline): Benign/Likely benign. Review status: criteria provided, multiple submitters, no conflicts (2 of 4 stars). 5 submissions from 5 submitters: Benign (1); Likely benign (3). 1 of the submissions does not count toward it. Last evaluated 2026-02-03.

Conditions:
Zellweger spectrum disorders (ZS). Also called: Zellweger Spectrum Disorder; Zellweger Spectrum; Zellweger Spectrum Disorder (ZSD); Zellweger syndrome. Identifiers: Orphanet 912, MedGen C0043459, MONDO:0019609.
Peroxisome biogenesis disorder, complementation group 7 (CG7). Also called: Peroxisome biogenesis disorder, complementation group B. Identifiers: MedGen C1864399.
Peroxisome biogenesis disorder 6A (Zellweger). Also called: Peroxisome biogenesis disorder 6A. Identifiers: Orphanet 912, MedGen C3553947, MONDO:0013936, OMIM 614870.

Allele frequency attached by ClinVar (database versions not stated): gnomAD exomes 0.00095; ExAC 0.00156; gnomAD 0.00350; 1000 Genomes Project 30x 0.00375; 1000 Genomes Project 0.00379; TOPMed 0.00389; ESP Exome Variant Server 0.00400.
gnomAD v4.1: 1,085 of 1,609,238 alleles (0.067%); highest among the groups gnomAD compares: African/African-American, 1.2%; 9 homozygotes.

Submissions (5):

Labcorp Genetics (formerly Invitae), Labcorp
Classification: Benign for Peroxisome biogenesis disorder, complementation group 7. Last evaluated: 2026-02-03. Review status: criteria provided, single submitter. Criteria: Invitae Variant Classification Sherloc (09022015). Collection method: clinical testing. Allele origin: germline.

Blueprint Genetics
Classification: Likely benign. Last evaluated: 2024-10-09. Review status: criteria provided, single submitter. Criteria: ACMG Guidelines, 2015. Collection method: clinical testing. Allele origin: germline.

Illumina Laboratory Services, Illumina
Classification: Likely benign for Peroxisome biogenesis disorder 6A (Zellweger). Last evaluated: 2018-01-12. Review status: criteria provided, single submitter. Criteria: ICSL Variant Classification Criteria 13 December 2019. Collection method: clinical testing. Allele origin: germline.
Comment: This variant was observed in the ICSL laboratory as part of a predisposition screen in an ostensibly healthy population. It had not been previously curated by ICSL or reported in the Human Gene Mutation Database (HGMD: prior to June 1st, 2018), and was therefore a candidate for classification through an automated scoring system. Utilizing variant allele frequency, disease prevalence and penetrance estimates, and inheritance mode, an automated score was calculated to assess if this variant is too frequent to cause the disease. Based on the score and internal cut-off values, a variant classified as likely benign is not then subjected to further curation. The score for this variant resulted in a classification of likely benign for this disease.

Breakthrough Genomics
Classification: Likely benign. Review status: criteria provided, single submitter. Criteria: ACMG Guidelines, 2015. Collection method: not provided. Allele origin: germline. Inheritance: Autosomal recessive inheritance. Affected: yes.

Natera, Inc.
Classification: Benign for Zellweger syndrome. Last evaluated: 2020-09-16. Review status: no assertion criteria provided. Collection method: clinical testing. Allele origin: germline. Not counted in ClinVar's aggregate classification.

NM_002617.4(PEX10):c.621C>G (p.Pro207=)

Gene: PEX10 (peroxisomal biogenesis factor 10; minus strand). Cytogenetic location: 1p36.32.
Variant type: single nucleotide variant.
Coding change: c.621C>G on transcript NM_002617.4 (MANE Select); coding-DNA position 621, C replaced by G.
Protein change: p.Pro207=; no amino-acid change (proline 207 retained).
Molecular consequence: synonymous variant. On other transcripts: non-coding transcript variant (1).
Genome position (GRCh38, 1-based): chr1:2,406,875, G>C on the plus strand (C>G on the coding strand, the complement: PEX10 is on the minus strand). VCF-style: chr1-2406875-G-C. GRCh37 (hg19) VCF-style: chr1-2338314-G-C.
Other names: c.678C>G, p.Pro226= (NM_001374425.1); c.246C>G, p.Pro82= (NM_001374426.1); c.189C>G, p.Pro63= (NM_001374427.1); c.681C>G, p.Pro227= (NM_153818.2).
Identifiers: ClinVar variation 767643 (VCV000767643.16), dbSNP rs140107510, ClinGen allele CA538089.
Genomic context (GRCh38, chr1:2,406,875, plus strand): 5'-GTGCAGCAGTGAGATGACCCCCAGCAGCCTGTAGCTAACACGGGCCCTCAGGTCCTCTCC[G>C]GGCAGGCTGCGGACACGGAGCTGTAAGGCAGATGGCGCCACACTCATCAGGACCCTGAGG-3'
Protein context (NP_002608.1, residues 197-217): GITYLRVRSL[Pro207=]GEDLRARVSY